The following is an entry in ClinVar:

NM_001182.5(ALDH7A1):c.1507G>A (p.Gly503Ser)

Gene: ALDH7A1 (aldehyde dehydrogenase 7 family member A1; minus strand). Cytogenetic location: 5q23.2.
Variant type: single nucleotide variant.
Coding change: c.1507G>A on transcript NM_001182.5 (MANE Select); coding-DNA position 1507, G replaced by A.
Protein change: p.Gly503Ser; replaces glycine 503 with serine.
Molecular consequence: missense variant.
Genome position (GRCh38, 1-based): chr5:126,546,382, C>T on the plus strand (G>A on the coding strand, the complement: ALDH7A1 is on the minus strand). VCF-style: chr5-126546382-C-T. GRCh37 (hg19) VCF-style: chr5-125882074-C-T.
Other names: c.1423G>A, p.Gly475Ser (NM_001201377.2); c.1315G>A, p.Gly439Ser (NM_001202404.2); short protein forms G439S, G475S, G503S.
Identifiers: ClinVar variation 975485 (VCV000975485.4), dbSNP rs1749787678, ClinGen allele CA360719422.
Genomic context (GRCh38, chr5:126,546,382, plus strand): 5'-ACCAAGTAGACCTTCTCATGTACTGTTTCCAGGCATCACTGCCAGACTCCCTGCCACCAC[C>T]AGTGTGCTTTTCTCCTCCTAGAGAAATAAAAAATAATATCATATCTTCTGAGCAGTTTCC-3'
Protein context (NP_001173.2, residues 493-513): GGAFGGEKHT[Gly503Ser]GGRESGSDAW

ClinVar aggregate classification (germline): Uncertain significance. Review status: criteria provided, multiple submitters, no conflicts (2 of 4 stars). 3 submissions from 3 submitters: Uncertain significance (2). 1 of the submissions does not count toward it. Last evaluated 2026-05-21.

Conditions:
Pyridoxine-dependent epilepsy (EPEO4). Also called: Pyridoxine-Dependent Seizures; PYRIDOXINE DEPENDENCY WITH SEIZURES; EPILEPSY, EARLY-ONSET, 4, VITAMIN B6-DEPENDENT; Pyridoxine-Dependent Epilepsy - ALDH7A1. Identifiers: Orphanet 3006, MedGen C1849508, MONDO:0009945, OMIM 266100. Disease mechanism: loss of function.
Intellectual disability. Also called: intellectual disabilities; Intellectual developmental disorder; Intellectual functioning disability. Identifiers: MedGen C3714756, MeSH D008607, MONDO:0001071, HP:0001249.

Allele frequency attached by ClinVar (database versions not stated): gnomAD exomes below 0.00001.
gnomAD v4.1: 2 of 1,614,200 alleles (0.00012%); highest among the groups gnomAD compares: Non-Finnish European, 0.00017%; no homozygotes.

Submissions (3):

Women's Health and Genetics/Laboratory Corporation of America, LabCorp
Classification: Uncertain significance. Last evaluated: 2026-05-21. Review status: criteria provided, single submitter. Criteria: LabCorp Variant Classification Summary - May 2015. Collection method: clinical testing. Allele origin: germline.
Comment: Variant summary: ALDH7A1 c.1507G>A (p.Gly503Ser) results in a non-conservative amino acid change in the encoded protein sequence. Algorithms developed to predict the effect of missense changes on protein structure and function all suggest that this variant is likely to be disruptive. The variant was absent in 251336 control chromosomes (gnomAD). The available data on variant occurrences in the general population are insufficient to allow any conclusion about variant significance. c.1507G>A has been observed in one compound heterozygous individual affected with Cerebral palsy (Thys_2024). These data do not allow any conclusion about variant significance. To our knowledge, no experimental evidence demonstrating an impact on protein function has been reported. The following publication have been ascertained in the context of this evaluation (PMID: 39213953). ClinVar contains an entry for this variant (Variation ID: 975485). Based on the evidence outlined above, the variant was classified as uncertain significance.

Labcorp Genetics (formerly Invitae), Labcorp
Classification: Uncertain significance for Pyridoxine-dependent epilepsy. Last evaluated: 2022-05-29. Review status: criteria provided, single submitter. Criteria: Invitae Variant Classification Sherloc (09022015). Collection method: clinical testing. Allele origin: germline.
Comment: This sequence change replaces glycine, which is neutral and non-polar, with serine, which is neutral and polar, at codon 503 of the ALDH7A1 protein (p.Gly503Ser). This variant is not present in population databases (gnomAD no frequency). This variant has not been reported in the literature in individuals affected with ALDH7A1-related conditions. ClinVar contains an entry for this variant (Variation ID: 975485). Advanced modeling of protein sequence and biophysical properties (such as structural, functional, and spatial information, amino acid conservation, physicochemical variation, residue mobility, and thermodynamic stability) performed at Invitae indicates that this missense variant is expected to disrupt ALDH7A1 protein function. In summary, the available evidence is currently insufficient to determine the role of this variant in disease. Therefore, it has been classified as a Variant of Uncertain Significance.

Centre de Biologie Pathologie Génétique, Centre Hospitalier Universitaire de Lille
Classification: Likely benign for Intellectual disability. Last evaluated: 2019-01-01. Review status: no assertion criteria provided. Collection method: clinical testing. Allele origin: inherited. Affected: yes. Not counted in ClinVar's aggregate classification.

Literature cited by the submitters: PubMed 39213953 (cited by Women's Health and Genetics/Laboratory Corporation of America, LabCorp).